The following is an entry in ClinVar:

NM_002439.5(MSH3):c.1871del (p.Gly624fs)

Gene: MSH3 (mutS homolog 3; plus strand). Cytogenetic location: 5q14.1.
Variant type: Deletion.
Coding change: c.1871del on transcript NM_002439.5 (MANE Select); coding-DNA position 1871, one base deleted (G; older notation c.1871delG).
Protein change: p.Gly624fs; shifts the reading frame from glycine 624.
Molecular consequence: frameshift variant.
Genome position (GRCh38, 1-based): chr5:80,761,653, G deleted; the last of 4 consecutive G bases (chr5:80,761,650-80,761,653); deleting any one gives the same sequence. VCF-style (leftmost placement, unchanged base first): chr5-80761649-AG-A. GRCh37 (hg19) VCF-style: chr5-80057468-AG-A.
Other names: short protein forms G624fs.
Identifiers: ClinVar variation 1781700 (VCV001781700.2), dbSNP rs2546770085, ClinGen allele CA2580073541.

ClinVar aggregate classification (germline): Pathogenic (1 of 4 stars; one submission).

Conditions:
Hereditary cancer-predisposing syndrome. Also called: Neoplastic Syndromes, Hereditary; Tumor predisposition; Hereditary Cancer Syndrome; Hereditary neoplastic syndrome. Identifiers: Orphanet 140162, MedGen C0027672, MeSH D009386, MONDO:0015356.

Submission:

Ambry Genetics
Classification: Pathogenic for Hereditary cancer-predisposing syndrome. Last evaluated: 2021-12-07. Review status: criteria provided, single submitter. Criteria: Ambry Variant Classification Scheme 2023. Collection method: clinical testing. Allele origin: germline.
Comment: The c.1871delG pathogenic mutation, located in coding exon 13 of the MSH3 gene, results from a deletion of one nucleotide at nucleotide position 1871, causing a translational frameshift with a predicted alternate stop codon (p.G624Dfs*17). This variant is considered to be rare based on population cohorts in the Genome Aggregation Database (gnomAD). This alteration is expected to result in loss of function by premature protein truncation or nonsense-mediated mRNA decay. As such, this alteration is interpreted as a disease-causing mutation.